The following is an entry in ClinVar:

ClinVar aggregate classification (germline): Pathogenic/Likely pathogenic. Review status: criteria provided, multiple submitters, no conflicts (2 of 4 stars). 4 submissions from 4 submitters: Pathogenic (2); Likely pathogenic (1). 1 of the submissions does not count toward it. Last evaluated 2025-10-03.

Conditions:
Cystinuria (CSNU). Also called: Cystinuria, non-type I; CYSTINURIA, TYPE I; CYSTINURIA, TYPE II; CYSTINURIA, TYPE III. Identifiers: Orphanet 214, MedGen C0010691, MONDO:0009067, OMIM 220100, HP:0003131.

Allele frequency attached by ClinVar (database versions not stated): ExAC 0.00001; gnomAD exomes 0.00001; TOPMed 0.00001.
gnomAD v4.1: 14 of 1,613,150 alleles (0.00087%); highest among the groups gnomAD compares: Admixed American, 0.0017%; no homozygotes.

Submissions (4):

Rare Kidney Stone Consortium and the Mayo Clinic Hyperoxaluria Center, Mayo Clinic
Classification: Pathogenic for Cystinuria. Last evaluated: 2025-10-03. Review status: criteria provided, single submitter. Criteria: ACMG Guidelines, 2015. Collection method: research. Allele origin: germline. Affected: yes. Observed: 1 variant allele.
Comment: ACMG:PM1, PM2, PM5, PP3, PP5

Imagene.me medical diagnostic laboratory, IMAGENE.ME SA
Classification: Pathogenic for Cystinuria. Review status: criteria provided, single submitter. Criteria: IMAGENE.ME Variant Classification SOP 2022. Collection method: clinical testing. Allele origin: germline.
Comment: Classified according to the IMAGENE.ME variant classification SOP based on the ACMG guidelines as Pathogenic (P): PS4, PS3_Moderate, PM1, PM2_Supporting, PP3, PP5, PP4

Juno Genomics, Hangzhou Juno Genomics, Inc
Classification: Likely pathogenic for Cystinuria. Review status: criteria provided, single submitter. Criteria: ACMG Guidelines, 2015. Collection method: clinical testing. Allele origin: germline.
Comment: Absent from controls (or at extremely low frequency if recessive) in Genome Aggregation Database.;Multiple lines of computational evidence support a deleterious effect on the gene or gene product.;The prevalence of the variant in affected individuals is significantly increased compared to the prevalence in controls.

OMIM
Classification: Pathogenic for CYSTINURIA. Last evaluated: 2005-01-01. Review status: no assertion criteria provided. Collection method: literature only. Allele origin: germline. Not counted in ClinVar's aggregate classification.

Literature cited by the submitters: PubMed 10471498 (cited by Rare Kidney Stone Consortium and the Mayo Clinic Hyperoxaluria Center, Mayo Clinic and OMIM); PubMed 28812535 (cited by Rare Kidney Stone Consortium and the Mayo Clinic Hyperoxaluria Center, Mayo Clinic); PubMed 40794449 (cited by Rare Kidney Stone Consortium and the Mayo Clinic Hyperoxaluria Center, Mayo Clinic); PubMed 15635077 (cited by OMIM).

NM_014270.5(SLC7A9):c.583G>A (p.Gly195Arg)

Gene: SLC7A9 (solute carrier family 7 member 9; minus strand). Cytogenetic location: 19q13.11.
Variant type: single nucleotide variant.
Coding change: c.583G>A on transcript NM_014270.5 (MANE Select); coding-DNA position 583, G replaced by A.
Protein change: p.Gly195Arg; replaces glycine 195 with arginine.
Molecular consequence: missense variant.
Genome position (GRCh38, 1-based): chr19:32,862,482, C>T on the plus strand (G>A on the coding strand, the complement: SLC7A9 is on the minus strand). VCF-style: chr19-32862482-C-T. GRCh37 (hg19) VCF-style: chr19-33353388-C-T.
Other names: c.583G>A, p.Gly195Arg (NM_001126335.2, NM_001243036.2); c.583G>A (NM_014270.4); short protein forms G195R.
Identifiers: ClinVar variation 5783 (VCV000005783.6), dbSNP rs121908482, ClinGen allele CA117725.